The following is an entry in ClinVar:

ClinVar aggregate classification (germline): Uncertain significance (1 of 4 stars; one submission).

Conditions:
Heterotopia, periventricular, X-linked dominant (PVNH1). Also called: PERIVENTRICULAR NODULAR HETEROTOPIA 4; HETEROTOPIA, PERIVENTRICULAR, 1; PERIVENTRICULAR NODULAR HETEROTOPIA 1; X-linked periventricular heterotopia. Identifiers: Orphanet 2149, Orphanet 82004, MedGen C1848213, MONDO:0010233, OMIM 300049.
Oto-palato-digital syndrome, type II (OPD2). Also called: Otopalatodigital Syndrome, Type II; FACIOPALATOOSSEOUS SYNDROME; OPD II SYNDROME; Otopalatodigital Syndrome Type 2 (FLNA-OPD2). Identifiers: Orphanet 669, Orphanet 90652, MedGen C1844696, MONDO:0010571, OMIM 304120.
Melnick-Needles syndrome (MNS). Also called: MELNICK-NEEDLES OSTEODYSPLASTY; OSTEODYSPLASTY OF MELNICK AND NEEDLES; Melnick-Needles Syndrome (FLNA-MNS). Identifiers: Orphanet 2484, MedGen C0025237, MONDO:0010650, OMIM 309350.
Frontometaphyseal dysplasia (FMD1). Identifiers: Orphanet 1826, MedGen C0265293, MONDO:0015942.

Submission:

Labcorp Genetics (formerly Invitae), Labcorp
Classification: Uncertain significance for Oto-palato-digital syndrome, type II; Heterotopia, periventricular, X-linked dominant; Frontometaphyseal dysplasia; Melnick-Needles syndrome. Last evaluated: 2025-02-19. Review status: criteria provided, single submitter. Criteria: Invitae Variant Classification Sherloc (09022015). Collection method: clinical testing. Allele origin: germline.
Comment: This sequence change replaces proline, which is neutral and non-polar, with leucine, which is neutral and non-polar, at codon 2057 of the FLNA protein (p.Pro2057Leu). This variant is not present in population databases (gnomAD no frequency). This variant has not been reported in the literature in individuals affected with FLNA-related conditions. Invitae Evidence Modeling of protein sequence and biophysical properties (such as structural, functional, and spatial information, amino acid conservation, physicochemical variation, residue mobility, and thermodynamic stability) indicates that this missense variant is not expected to disrupt FLNA protein function with a negative predictive value of 95%. In summary, the available evidence is currently insufficient to determine the role of this variant in disease. Therefore, it has been classified as a Variant of Uncertain Significance.

NM_001110556.2(FLNA):c.6194C>T (p.Pro2065Leu)

Gene: FLNA (filamin A; minus strand). Cytogenetic location: Xq28.
Variant type: single nucleotide variant.
Coding change: c.6194C>T on transcript NM_001110556.2 (MANE Select); coding-DNA position 6194, C replaced by T.
Protein change: p.Pro2065Leu; replaces proline 2065 with leucine.
Molecular consequence: missense variant.
Genome position (GRCh38, 1-based): chrX:154,353,033, G>A on the plus strand (C>T on the coding strand, the complement: FLNA is on the minus strand). VCF-style: chrX-154353033-G-A. GRCh37 (hg19) VCF-style: chrX-153581401-G-A.
Other names: c.6170C>T, p.Pro2057Leu (NM_001456.4); short protein forms P2057L, P2065L.
Identifiers: ClinVar variation 4789576 (VCV004789576.1).